The following is an entry in ClinVar:

NM_004415.4(DSP):c.5964_5968del (p.Lys1988fs)

Gene: DSP (desmoplakin; plus strand). Cytogenetic location: 6p24.3.
Variant type: Deletion.
Coding change: c.5964_5968del on transcript NM_004415.4 (MANE Select); coding-DNA positions 5964 to 5968, 5 bases deleted (AACAA; older notation c.5964_5968delAACAA).
Protein change: p.Lys1988fs; shifts the reading frame from lysine 1988.
Molecular consequence: frameshift variant.
Genome position (GRCh38, 1-based): chr6:7,583,226-7,583,230, AACAA deleted; deleting any 5 consecutive bases within chr6:7,583,222-7,583,230 gives the same sequence; the c. name uses the placement nearest the transcript's 3' end. VCF-style (leftmost placement, unchanged base first): chr6-7583221-GACAAA-G. GRCh37 (hg19) VCF-style: chr6-7583454-GACAAA-G.
Other names: c.4167_4171del, p.Lys1389fs (NM_001008844.3); c.4635_4639del, p.Lys1545fs (NM_001319034.2); short protein forms K1389fs, K1545fs, K1988fs.
Identifiers: ClinVar variation 2944572 (VCV002944572.3), dbSNP rs2533938442, ClinGen allele CA2740090891.

ClinVar aggregate classification (germline): Pathogenic (1 of 4 stars; one submission).

Conditions:
Arrhythmogenic cardiomyopathy with wooly hair and keratoderma. Also called: Dilated cardiomyopathy with woolly hair and keratoderma; PALMOPLANTAR KERATODERMA WITH LEFT VENTRICULAR CARDIOMYOPATHY AND WOOLLY HAIR; Carvajal syndrome; Arrhythmogenic cardiomyopathy with woolly hair and keratoderma. Identifiers: Orphanet 65282, MedGen C1854063, MONDO:0011581, OMIM 605676.
Arrhythmogenic right ventricular dysplasia 8 (ARVD8). Also called: Arrhythmogenic Right Ventricular Dysplasia/Cardiomyopathy 8; ARRHYTHMOGENIC RIGHT VENTRICULAR DYSPLASIA, FAMILIAL, 8; ARRHYTHMOGENIC RIGHT VENTRICULAR CARDIOMYOPATHY 8. Identifiers: MedGen C1843896, MONDO:0011831, OMIM 607450.

Submission:

Labcorp Genetics (formerly Invitae), Labcorp
Classification: Pathogenic for Arrhythmogenic cardiomyopathy with wooly hair and keratoderma; Arrhythmogenic right ventricular dysplasia 8. Last evaluated: 2024-10-24. Review status: criteria provided, single submitter. Criteria: Invitae Variant Classification Sherloc (09022015). Collection method: clinical testing. Allele origin: germline.
Comment: This sequence change creates a premature translational stop signal (p.Lys1988Asnfs*18) in the DSP gene. While this is not anticipated to result in nonsense mediated decay, it is expected to disrupt the last 884 amino acid(s) of the DSP protein. This variant is not present in population databases (gnomAD no frequency). This variant has not been reported in the literature in individuals affected with DSP-related conditions. This variant disrupts a region of the DSP protein in which other variant(s) (p.Glu2728Glyfs*11) have been determined to be pathogenic (internal data). This suggests that this is a clinically significant region of the protein, and that variants that disrupt it are likely to be disease-causing. For these reasons, this variant has been classified as Pathogenic.